The following is an entry in ClinVar:

ClinVar aggregate classification (germline): Uncertain significance (1 of 4 stars; one submission).

Conditions:
Koolen-de Vries syndrome (KDVS). Identifiers: Orphanet 96169, MedGen C1864871, MONDO:0012496, OMIM 610443.

Submission:

Labcorp Genetics (formerly Invitae), Labcorp
Classification: Uncertain significance for Koolen-de Vries syndrome. Last evaluated: 2023-07-22. Review status: criteria provided, single submitter. Criteria: Invitae Variant Classification Sherloc (09022015). Collection method: clinical testing. Allele origin: unknown.
Comment: This variant has not been reported in the literature in individuals affected with KANSL1-related conditions. This variant results in a copy number gain of the genomic region encompassing exon(s) 4-6 of the KANSL1 gene. While the exact position of this variant cannot be determined from the data, sub-genic copy number gains are generally in tandem (PMID: 25640679). This variant is predicted to be in-frame, and likely preserves the integrity of the reading frame. Experimental studies and prediction algorithms are not available or were not evaluated, and the functional significance of this variant is currently unknown. In summary, the available evidence is currently insufficient to determine the role of this variant in disease. Therefore, it has been classified as a Variant of Uncertain Significance.

Literature cited by the submitters: PubMed 25640679.

NC_000017.10:g.(?_44143883)_(44159928_?)dup

Gene: KANSL1 (KAT8 regulatory NSL complex subunit 1). Cytogenetic location: 17q21.31.
Variant type: Duplication.
Identifiers: ClinVar variation 3243059 (VCV003243059.1).